The following is an entry in ClinVar:

ClinVar aggregate classification (germline): Uncertain significance (1 of 4 stars; one submission).

Allele frequency attached by ClinVar (database versions not stated): ESP Exome Variant Server 0.00008; TOPMed 0.00001.
gnomAD v4.1: 22 of 1,613,394 alleles (0.0014%); highest among the groups gnomAD compares: Non-Finnish European, 0.0018%; no homozygotes.

Submission:

Labcorp Genetics (formerly Invitae), Labcorp
Classification: Uncertain significance. Last evaluated: 2025-03-22. Review status: criteria provided, single submitter. Criteria: Invitae Variant Classification Sherloc (09022015). Collection method: clinical testing. Allele origin: germline.
Comment: This sequence change replaces arginine, which is basic and polar, with histidine, which is basic and polar, at codon 700 of the LEMD3 protein (p.Arg700His). This variant is present in population databases (rs367618543, gnomAD 0.002%). This variant has not been reported in the literature in individuals affected with LEMD3-related conditions. ClinVar contains an entry for this variant (Variation ID: 2905214). Invitae Evidence Modeling of protein sequence and biophysical properties (such as structural, functional, and spatial information, amino acid conservation, physicochemical variation, residue mobility, and thermodynamic stability) has been performed for this missense variant. However, the output from this modeling did not meet the statistical confidence thresholds required to predict the impact of this variant on LEMD3 protein function. In summary, the available evidence is currently insufficient to determine the role of this variant in disease. Therefore, it has been classified as a Variant of Uncertain Significance.

NM_014319.5(LEMD3):c.2099G>A (p.Arg700His)

Gene: LEMD3 (LEM domain containing 3; plus strand). Cytogenetic location: 12q14.3.
Variant type: single nucleotide variant.
Coding change: c.2099G>A on transcript NM_014319.5 (MANE Select); coding-DNA position 2099, G replaced by A.
Protein change: p.Arg700His; replaces arginine 700 with histidine.
Molecular consequence: missense variant.
Genome position (GRCh38, 1-based): chr12:65,240,211, G>A. VCF-style: chr12-65240211-G-A. GRCh37 (hg19) VCF-style: chr12-65633991-G-A.
Other names: c.2096G>A, p.Arg699His (NM_001167614.2); short protein forms R700H, R699H.
Identifiers: ClinVar variation 2905214 (VCV002905214.3), dbSNP rs367618543, ClinGen allele CA238915184.
Genomic context (GRCh38, chr12:65,240,211, plus strand): 5'-ATAATGAAGCCTGCCAGGAAAACAAAGATTTACAACCTTACATGCCTATTCCACATGTAC[G>A]CGATTCCTTAATACAGCCTCATGACAGGTGTGTTCAAAGCATTATGAGTTCAAGTAAATC-3'
Protein context (NP_055134.2, residues 690-710): LQPYMPIPHV[Arg700His]DSLIQPHDRK